The following is an entry in ClinVar:

NM_003849.4(SUCLG1):c.635A>G (p.Gln212Arg)

Gene: SUCLG1 (succinate-CoA ligase GDP/ADP-forming subunit alpha; minus strand). Cytogenetic location: 2p11.2.
Variant type: single nucleotide variant.
Coding change: c.635A>G on transcript NM_003849.4 (MANE Select); coding-DNA position 635, A replaced by G.
Protein change: p.Gln212Arg; replaces glutamine 212 with arginine.
Molecular consequence: missense variant.
Genome position (GRCh38, 1-based): chr2:84,433,390, T>C on the plus strand (A>G on the coding strand, the complement: SUCLG1 is on the minus strand). VCF-style: chr2-84433390-T-C. GRCh37 (hg19) VCF-style: chr2-84660514-T-C.
Other names: short protein forms Q212R.
Identifiers: ClinVar variation 561121 (VCV000561121.4), dbSNP rs767781003, ClinGen allele CA1736236.
Genomic context (GRCh38, chr2:84,433,390, plus strand): 5'-GATTTTAGCAAAAGTCCCTCACCAACGCACAAAGACTGCCCCAATCCAACTTGCGTTGTT[T>C]GGTGAACTGCTTCATAAGTCAGGGTGCCAGATCTGGACACAATGCCTTAACGAAAGAGAA-3'
Protein context (NP_003840.2, residues 202-222): SGTLTYEAVH[Gln212Arg]TTQVGLGQSL

ClinVar aggregate classification (germline): Uncertain significance. Review status: criteria provided, multiple submitters, no conflicts (2 of 4 stars). 2 submissions from 2 submitters: Uncertain significance (2). Last evaluated 2022-06-10.

Conditions:
Mitochondrial DNA depletion syndrome 9 (MTDPS9). Also called: SUCLG1-Related Mitochondrial DNA Depletion Syndrome, Encephalomyopathic Form with Methylmalonic Aciduria. Identifiers: Orphanet 17, MedGen C3151476, MONDO:0009504, OMIM 245400.

Allele frequency attached by ClinVar (database versions not stated): gnomAD exomes below 0.00001 and 0.00001; ExAC 0.00001; TOPMed 0.00005; gnomAD 0.00009 and 0.00011.

Submissions (2):

Labcorp Genetics (formerly Invitae), Labcorp
Classification: Uncertain significance for Mitochondrial DNA depletion syndrome 9. Last evaluated: 2022-06-10. Review status: criteria provided, single submitter. Criteria: Invitae Variant Classification Sherloc (09022015). Collection method: clinical testing. Allele origin: germline.
Comment: In summary, the available evidence is currently insufficient to determine the role of this variant in disease. Therefore, it has been classified as a Variant of Uncertain Significance. Studies have shown that this missense change alters SUCLG1 gene expression (PMID: 27484306). Algorithms developed to predict the effect of missense changes on protein structure and function (SIFT, PolyPhen-2, Align-GVGD) all suggest that this variant is likely to be disruptive. ClinVar contains an entry for this variant (Variation ID: 561121). This missense change has been observed in individual(s) with Succinyl-CoA ligase deficiency (PMID: 27484306). This variant is present in population databases (rs767781003, gnomAD 0.02%). This sequence change replaces glutamine, which is neutral and polar, with arginine, which is basic and polar, at codon 212 of the SUCLG1 protein (p.Gln212Arg).

Baylor Genetics
Classification: Uncertain significance for Mitochondrial DNA depletion syndrome 9. Last evaluated: 2017-09-01. Review status: criteria provided, single submitter. Criteria: ACMG Guidelines, 2015. Collection method: clinical testing. Allele origin: germline. Inheritance: Autosomal recessive inheritance. Affected: yes.

Literature cited by the submitters: PubMed 27484306 (cited by Labcorp Genetics (formerly Invitae), Labcorp); PubMed 25326635 (cited by Baylor Genetics).